The following is an entry in ClinVar:

ClinVar aggregate classification (germline): Uncertain significance (1 of 4 stars; one submission).

Submission:

Labcorp Genetics (formerly Invitae), Labcorp
Classification: Uncertain significance. Last evaluated: 2021-08-19. Review status: criteria provided, single submitter. Criteria: Invitae Variant Classification Sherloc (09022015). Collection method: clinical testing. Allele origin: germline.
Comment: In summary, the available evidence is currently insufficient to determine the role of this variant in disease. Therefore, it has been classified as a Variant of Uncertain Significance. Advanced modeling of protein sequence and biophysical properties (such as structural, functional, and spatial information, amino acid conservation, physicochemical variation, residue mobility, and thermodynamic stability) performed at Invitae indicates that this missense variant is not expected to disrupt FLNB protein function. This variant has not been reported in the literature in individuals affected with FLNB-related conditions. This variant is not present in population databases (ExAC no frequency). This sequence change replaces threonine with isoleucine at codon 1521 of the FLNB protein (p.Thr1521Ile). The threonine residue is highly conserved and there is a moderate physicochemical difference between threonine and isoleucine.

NM_001457.4(FLNB):c.4562C>T (p.Thr1521Ile)

Gene: FLNB (filamin B; plus strand). Cytogenetic location: 3p14.3.
Variant type: single nucleotide variant.
Coding change: c.4562C>T on transcript NM_001457.4 (MANE Select); coding-DNA position 4562, C replaced by T.
Protein change: p.Thr1521Ile; replaces threonine 1521 with isoleucine.
Molecular consequence: missense variant.
Genome position (GRCh38, 1-based): chr3:58,134,663, C>T. VCF-style: chr3-58134663-C-T. GRCh37 (hg19) VCF-style: chr3-58120390-C-T.
Other names: c.4655C>T, p.Thr1552Ile (NM_001164317.2); c.4562C>T, p.Thr1521Ile (NM_001164318.2, NM_001164319.2); short protein forms T1521I, T1552I.
Identifiers: ClinVar variation 1484524 (VCV001484524.6), dbSNP rs2107220154, ClinGen allele CA353351671.
Genomic context (GRCh38, chr3:58,134,663, plus strand): 5'-TGTGTCTATCAAGTCCCTTCAAGGTCAAGGTCCTTCCCACATATGATGCCAGCAAAGTGA[C>T]TGCCAGTGGCCCCGGCCTTAGTTCCTATGGTGTGCCTGCCAGTCTACCTGTGGACTTTGC-3'
Protein context (NP_001448.2, residues 1511-1531): VLPTYDASKV[Thr1521Ile]ASGPGLSSYG